The following is an entry in ClinVar:

ClinVar aggregate classification (germline): Uncertain significance (1 of 4 stars; one submission).

gnomAD v4.1: 12 of 1,613,904 alleles (0.00074%); highest among the groups gnomAD compares: East Asian, 0.0089%; no homozygotes.

Submission:

Women's Health and Genetics/Laboratory Corporation of America, LabCorp
Classification: Uncertain significance. Last evaluated: 2024-07-03. Review status: criteria provided, single submitter. Criteria: LabCorp Variant Classification Summary - May 2015. Collection method: clinical testing. Allele origin: germline.
Comment: Variant summary: PIK3R2 c.1330G>A (p.Ala444Thr) results in a non-conservative amino acid change in the encoded protein sequence. Four of five in-silico tools predict a benign effect of the variant on protein function. The variant allele was found at a frequency of 8e-06 in 251428 control chromosomes. The available data on variant occurrences in the general population are insufficient to allow any conclusion about variant significance. To our knowledge, no occurrence of c.1330G>A in individuals affected with Megalencephaly-Polymicrogyria Syndrome 1 and no experimental evidence demonstrating its impact on protein function have been reported. No submitters have cited clinical-significance assessments for this variant to ClinVar. Based on the evidence outlined above, the variant was classified as uncertain significance.

NM_005027.4(PIK3R2):c.1330G>A (p.Ala444Thr)

Gene: PIK3R2 (phosphoinositide-3-kinase regulatory subunit 2; plus strand). Cytogenetic location: 19p13.11.
Variant type: single nucleotide variant.
Coding change: c.1330G>A on transcript NM_005027.4 (MANE Select); coding-DNA position 1330, G replaced by A.
Protein change: p.Ala444Thr; replaces alanine 444 with threonine.
Molecular consequence: missense variant. On other transcripts: non-coding transcript variant (2).
Genome position (GRCh38, 1-based): chr19:18,163,302, G>A. VCF-style: chr19-18163302-G-A. GRCh37 (hg19) VCF-style: chr19-18274112-G-A.
Other names: short protein forms A444T.
Identifiers: ClinVar variation 3339161 (VCV003339161.1).